The following is an entry in ClinVar:

NM_005327.7(HADH):c.805A>G (p.Thr269Ala)

Gene: HADH (hydroxyacyl-CoA dehydrogenase; plus strand). Cytogenetic location: 4q25.
Variant type: single nucleotide variant.
Coding change: c.805A>G on transcript NM_005327.7 (MANE Select); coding-DNA position 805, A replaced by G.
Protein change: p.Thr269Ala; replaces threonine 269 with alanine.
Molecular consequence: missense variant.
Genome position (GRCh38, 1-based): chr4:108,033,271, A>G. VCF-style: chr4-108033271-A-G. GRCh37 (hg19) VCF-style: chr4-108954427-A-G.
Other names: c.856A>G, p.Thr286Ala (NM_001184705.4); c.817A>G, p.Thr273Ala (NM_001331027.2); short protein forms T286A, T269A, T273A.
Identifiers: ClinVar variation 1386774 (VCV001386774.4), dbSNP rs1736341112, ClinGen allele CA357830290.

ClinVar aggregate classification (germline): Uncertain significance (1 of 4 stars; one submission).

Conditions:
Deficiency of 3-hydroxyacyl-CoA dehydrogenase. Also called: 3-hydroxyacyl-CoA dehydrogenase deficiency; HADH DEFICIENCY. Identifiers: Orphanet 309127, Orphanet 71212, MedGen C1291230, MONDO:0017715, OMIM 231530.

Allele frequency attached by ClinVar (database versions not stated): gnomAD exomes below 0.00001; TOPMed below 0.00001.
gnomAD v4.1: 5 of 1,575,602 alleles (0.00032%); highest among the groups gnomAD compares: Non-Finnish European, 0.00044%; no homozygotes.

Submission:

Labcorp Genetics (formerly Invitae), Labcorp
Classification: Uncertain significance for Deficiency of 3-hydroxyacyl-CoA dehydrogenase. Last evaluated: 2021-09-26. Review status: criteria provided, single submitter. Criteria: Invitae Variant Classification Sherloc (09022015). Collection method: clinical testing. Allele origin: germline.
Comment: In summary, the available evidence is currently insufficient to determine the role of this variant in disease. Therefore, it has been classified as a Variant of Uncertain Significance. Algorithms developed to predict the effect of missense changes on protein structure and function (SIFT, PolyPhen-2, Align-GVGD) all suggest that this variant is likely to be disruptive. This variant has not been reported in the literature in individuals affected with HADH-related conditions. This variant is not present in population databases (ExAC no frequency). This sequence change replaces threonine with alanine at codon 269 of the HADH protein (p.Thr269Ala). The threonine residue is highly conserved and there is a small physicochemical difference between threonine and alanine.